The following is an entry in ClinVar:

ClinVar aggregate classification (germline): Uncertain significance (1 of 4 stars; one submission).

Conditions:
Multiple gastrointestinal atresias. Also called: FAMILIAL INTESTINAL POLYATRESIA SYNDROME; Multiple intestinal atresia. Identifiers: Orphanet 2300, MedGen C0220744, MONDO:0009465.

Submission:

Labcorp Genetics (formerly Invitae), Labcorp
Classification: Uncertain significance for Multiple gastrointestinal atresias. Last evaluated: 2022-11-22. Review status: criteria provided, single submitter. Criteria: Invitae Variant Classification Sherloc (09022015). Collection method: clinical testing. Allele origin: germline.
Comment: ClinVar contains an entry for this variant (Variation ID: 1361199). Advanced modeling of protein sequence and biophysical properties (such as structural, functional, and spatial information, amino acid conservation, physicochemical variation, residue mobility, and thermodynamic stability) performed at Invitae indicates that this missense variant is expected to disrupt TTC7A protein function. In summary, the available evidence is currently insufficient to determine the role of this variant in disease. Therefore, it has been classified as a Variant of Uncertain Significance. This variant has not been reported in the literature in individuals affected with TTC7A-related conditions. This variant is not present in population databases (gnomAD no frequency). This sequence change replaces tyrosine, which is neutral and polar, with serine, which is neutral and polar, at codon 749 of the TTC7A protein (p.Tyr749Ser).

NM_020458.4(TTC7A):c.2246A>C (p.Tyr749Ser)

Gene: TTC7A (tetratricopeptide repeat domain 7A; plus strand). Cytogenetic location: 2p21.
Variant type: single nucleotide variant.
Coding change: c.2246A>C on transcript NM_020458.4 (MANE Select); coding-DNA position 2246, A replaced by C.
Protein change: p.Tyr749Ser; replaces tyrosine 749 with serine.
Molecular consequence: missense variant.
Genome position (GRCh38, 1-based): chr2:47,060,862, A>C. VCF-style: chr2-47060862-A-C. GRCh37 (hg19) VCF-style: chr2-47288001-A-C.
Other names: c.1184A>C, p.Tyr395Ser (NM_001288955.2); c.2318A>C, p.Tyr773Ser (NM_001288951.2); c.2144A>C, p.Tyr715Ser (NM_001288953.2); short protein forms Y715S, Y749S, Y773S, Y395S.
Identifiers: ClinVar variation 1361199 (VCV001361199.8), dbSNP rs200237098, ClinGen allele CA346714876.